The following is an entry in ClinVar:

ClinVar aggregate classification (germline): Uncertain significance (1 of 4 stars; one submission).

Submission:

Ambry Genetics
Classification: Uncertain significance. Last evaluated: 2025-12-02. Review status: criteria provided, single submitter. Criteria: Ambry Variant Classification Scheme 2023. Collection method: clinical testing. Allele origin: germline.
Comment: The p.P922S variant (also known as c.2764C>T), located in coding exon 24 of the KIF1B gene, results from a C to T substitution at nucleotide position 2764. The proline at codon 922 is replaced by serine, an amino acid with similar properties. This amino acid position is highly conserved in available vertebrate species. In addition, this alteration is predicted to be deleterious by in silico analysis. The evidence for this gene-disease relationship is limited; therefore, the clinical significance of this alteration is unclear.

NM_001365951.3(KIF1B):c.2902C>T (p.Pro968Ser)

Genes: KIF1B (kinesin family member 1B; plus strand), LOC126805614 (BRD4-independent group 4 enhancer GRCh37_chr1:10385546-10386745; plus strand). Cytogenetic location: 1p36.22.
Variant type: single nucleotide variant.
Coding change: c.2902C>T on transcript NM_001365951.3 (MANE Select); coding-DNA position 2902, C replaced by T.
Protein change: p.Pro968Ser; replaces proline 968 with serine.
Molecular consequence: missense variant.
Genome position (GRCh38, 1-based): chr1:10,326,337, C>T. VCF-style: chr1-10326337-C-T. GRCh37 (hg19) VCF-style: chr1-10386395-C-T.
Other names: c.2902C>T, p.Pro968Ser (NM_001365952.1); c.2764C>T, p.Pro922Ser (NM_015074.3); short protein forms P922S, P968S.
Identifiers: ClinVar variation 4543683 (VCV004543683.1).